The following is an entry in ClinVar:

ClinVar aggregate classification (germline): Uncertain significance (1 of 4 stars; one submission).

Conditions:
Pheochromocytoma. Also called: MAX-Related Hereditary Paraganglioma-Pheochromocytoma Syndrome. Identifiers: Orphanet 29072, MedGen C0031511, MONDO:0008233, OMIM 171300, HP:0002666.
Pheochromocytoma/paraganglioma syndrome 4. Also called: CAROTID BODY TUMORS AND MULTIPLE EXTRAADRENAL PHEOCHROMOCYTOMAS; PARAGANGLIOMA, FAMILIAL MALIGNANT; PARAGANGLIOMAS, HEREDITARY EXTRAADRENAL; PHEOCHROMOCYTOMA, FAMILIAL EXTRAADRENAL; Paragangliomas 4; SDHB-Related Hereditary Paraganglioma-Pheochromocytoma Syndrome (Paragangliomas 4). Identifiers: Orphanet 29072, MedGen C1861848, MONDO:0007273, OMIM 115310.
Gastrointestinal stromal tumor. Also called: Gastrointestinal stromal tumor, somatic; Gastrointestinal stroma tumor. Identifiers: Orphanet 44890, MedGen C0238198, MeSH D046152, MONDO:0011719, OMIM 606764, HP:0100723.

Submission:

Labcorp Genetics (formerly Invitae), Labcorp
Classification: Uncertain significance for Gastrointestinal stromal tumor; Pheochromocytoma/paraganglioma syndrome 4; Pheochromocytoma. Last evaluated: 2024-05-06. Review status: criteria provided, single submitter. Criteria: Invitae Variant Classification Sherloc (09022015). Collection method: clinical testing. Allele origin: germline.
Comment: This sequence change replaces glutamic acid, which is acidic and polar, with glycine, which is neutral and non-polar, at codon 275 of the SDHB protein (p.Glu275Gly). This variant is not present in population databases (gnomAD no frequency). This variant has not been reported in the literature in individuals affected with SDHB-related conditions. Advanced modeling of protein sequence and biophysical properties (such as structural, functional, and spatial information, amino acid conservation, physicochemical variation, residue mobility, and thermodynamic stability) performed at Invitae indicates that this missense variant is not expected to disrupt SDHB protein function with a negative predictive value of 95%. In summary, the available evidence is currently insufficient to determine the role of this variant in disease. Therefore, it has been classified as a Variant of Uncertain Significance.

NM_003000.3(SDHB):c.824A>G (p.Glu275Gly)

Gene: SDHB (succinate dehydrogenase complex iron sulfur subunit B; minus strand). Cytogenetic location: 1p36.13.
Variant type: single nucleotide variant.
Coding change: c.824A>G on transcript NM_003000.3 (MANE Select); coding-DNA position 824, A replaced by G.
Protein change: p.Glu275Gly; replaces glutamic acid 275 with glycine.
Molecular consequence: missense variant.
Genome position (GRCh38, 1-based): chr1:17,018,900, T>C on the plus strand (A>G on the coding strand, the complement: SDHB is on the minus strand). VCF-style: chr1-17018900-T-C. GRCh37 (hg19) VCF-style: chr1-17345395-T-C.
Other names: c.770A>G, p.Glu257Gly (NM_001407361.1); short protein forms E257G, E275G.
Identifiers: ClinVar variation 3753567 (VCV003753567.2).